The following is an entry in ClinVar:

NM_000152.5(GAA):c.1857C>G (p.Ser619Arg)

Gene: GAA (alpha glucosidase; plus strand). Cytogenetic location: 17q25.3.
Variant type: single nucleotide variant.
Coding change: c.1857C>G on transcript NM_000152.5 (MANE Select); coding-DNA position 1857, C replaced by G.
Protein change: p.Ser619Arg; replaces serine 619 with arginine.
Molecular consequence: missense variant.
Genome position (GRCh38, 1-based): chr17:80,112,680, C>G. VCF-style: chr17-80112680-C-G. GRCh37 (hg19) VCF-style: chr17-78086479-C-G.
Other names: NM_000152.5(GAA):c.1857C>G; p.Ser619Arg; c.1857C>G, p.Ser619Arg (NM_001079803.3, NM_001079804.3); c.1857C>G (NM_000152.4, LRG_673t1); short protein forms S619R.
Identifiers: ClinVar variation 550825 (VCV000550825.18), dbSNP rs914396317, ClinGen allele CA401369658.

ClinVar aggregate classification (germline): Pathogenic. Review status: reviewed by expert panel (3 of 4 stars). 7 submissions from 7 submitters: Pathogenic (1). 6 of the submissions do not count toward it. Last evaluated 2022-12-06.

Conditions:
Glycogen storage disease, type II (IOPD). Also called: Glycogen storage disease type 2; Acid maltase deficiency disease; Aglucosidase alfa; Deficiency of alpha-glucosidase; Deficiency of lysosomal alpha-glucosidase; POMPE DISEASE, INFANTILE-ONSET. Identifiers: Orphanet 365, MedGen C0017921, MONDO:0009290, OMIM 232300.

Allele frequency attached by ClinVar (database versions not stated): gnomAD exomes 0.00001.
gnomAD v4.1: 5 of 1,611,316 alleles (0.00031%); highest among the groups gnomAD compares: East Asian, 0.011%; no homozygotes.

Submissions (7):

ClinGen Lysosomal Storage Disorder Variant Curation Expert Panel
Classification: Pathogenic for Glycogen storage disease, type II. Last evaluated: 2022-12-06. Review status: reviewed by expert panel. Criteria: clingen_lsd_acmg_specifications_v2-1. Collection method: curation. Allele origin: germline. Inheritance: Autosomal recessive inheritance.
Comment: The NM_000152.5:c.1857C>G variant in GAA is predicted to result in the substitution of serine by arginine at amino acid 619 (p.Ser619Arg). This variant has been reported in at least 10 patients with features consistent with Pompe disease including individuals with clinical symptoms of Pompe disease and documented laboratory data showing GAA activity below the normal reference range or <10% in relevant tissues (PMID: 14643388, 17092519, 29124014, 21984055, 23884227), and additional patients without GAA activity reported but on enzyme replacement therapy (PMID: 25213570, 29869463) (PP4_Moderate). Five patients are compound heterozygous for the variant and another variant in GAA that has been classified as pathogenic by the ClinGen LSD VCEP including c.1579_1580del (p.Arg527GlyfsTer3), confirmed in trans (PMID: 29869463); c.1156C>T (p.Gln386Ter), phase unknown (PMID: 23884227); c.1309C>T (p.Arg437Cys), phase unknown (PMID: 29124014); c.1798C>T (p.Arg600Cys), phase unknown (PMID: 29124014); and c.1735G>A (p.Glu579Lys), phase unknown (PMID: 29124014); and at least three are homozygous for the variant (PMID: 14643388, 29124014) (maximum allowed = 2 x 0.5 points = 1 point). Additional patients have been reported who are compound heterozygous for the variant and either c.875A>G (p.Tyr292Cys) (PMID: 23884227, 25213570), or c.2015G>A (p.Arg672Gln) (PMID: 17092519). The allelic data from these patients will be used in the assessment of the second variant and is not included here to avoid circular logic. Finally, additional patients may also carry the variant but were not included because the cDNA change for the variant was not reported (PMID: 17805474, 18495398, 21676566) (PM3_Very Strong). When expressed in COS cells in two seprate function, studies, the variant results in <2% GAA activity compared to wild type (PMIDs: 14643388, 19862843) (PS3_Supporting). The computational predictor REVEL gives a score of 0.795 which is above the threshold of 0.7, evidence that correlates with impact to GAA function (PP3). This variant is absent in gnomAD v2.1.1 (PM2_Supporting). There is a ClinVar entry for this variant (Variation ID: 550825). In summary, this variant meets the criteria to be classified as pathogenic for Pompe disease. GAA-specific ACMG-AMP criteria met, as specified by the ClinGen Lysosomal Storage Disorders VCEP (Specifications Version 2.0): PM3_Very Strong, PP4_Moderate, PP3, PS3_Supporting, PM2_Supporting. (Classification approved by the ClinGen LSD VCEP on December 6, 2022)

Genomenon, Inc
Classification: Likely pathogenic for Glycogen storage disease, type II. Last evaluated: 2026-07-01. Review status: criteria provided, single submitter. Criteria: Genomenon Sequence Variant Interpretation Standards - Updated. Collection method: curation. Allele origin: germline. Affected: yes. Not counted in ClinVar's aggregate classification.
Comment: GAA p.Ser619Arg (c.1857C>G) is a missense variant that changes the amino acid at codon 619 from Serine to Arginine. This variant has been observed in at least one proband with a GAA-related disorder in the compound heterozygous and/or homozygous state (PMID:29124014;14643388;21984055;23884227;25388776;25213570). At least one functional study has demonstrated a substantial alteration in protein function relative to the wild-type (PMID:14643388;19862843;25256446). It is absent or not present at a significant frequency in gnomAD. In silico models predict that this variant is possibly or probably damaging. In conclusion, we classify GAA p.Ser619Arg (c.1857C>G) as a likely pathogenic variant.

Labcorp Genetics (formerly Invitae), Labcorp
Classification: Pathogenic for Glycogen storage disease, type II. Last evaluated: 2025-12-08. Review status: criteria provided, single submitter. Criteria: Invitae Variant Classification Sherloc (09022015). Collection method: clinical testing. Allele origin: germline. Not counted in ClinVar's aggregate classification.
Comment: This sequence change replaces serine, which is neutral and polar, with arginine, which is basic and polar, at codon 619 of the GAA protein (p.Ser619Arg). This variant is not present in population databases (gnomAD no frequency). This missense change has been observed in individual(s) with glycogen storage disease type II (PMID: 14643388, 25213570, 27363342). ClinVar contains an entry for this variant (Variation ID: 550825). Invitae Evidence Modeling of protein sequence and biophysical properties (such as structural, functional, and spatial information, amino acid conservation, physicochemical variation, residue mobility, and thermodynamic stability) indicates that this missense variant is expected to disrupt GAA protein function with a positive predictive value of 95%. Experimental studies have shown that this missense change affects GAA function (PMID: 14643388, 21471980). This variant disrupts the p.Ser619 amino acid residue in GAA. Other variant(s) that disrupt this residue have been determined to be pathogenic (PMID: 16838077, 24158270, 25998610). This suggests that this residue is clinically significant, and that variants that disrupt this residue are likely to be disease-causing. For these reasons, this variant has been classified as Pathogenic.

3billion
Classification: Pathogenic for Glycogen storage disease, type II. Last evaluated: 2025-06-28. Review status: criteria provided, single submitter. Criteria: ACMG Guidelines, 2015. Collection method: clinical testing. Allele origin: germline. Affected: yes. Not counted in ClinVar's aggregate classification.
Comment: The variant is observed at an extremely low frequency in the gnomAD v4.1.0 dataset (total allele frequency: <0.001%). Predicted Consequence/Location: Missense variant Functional studies provide strong evidence of the variant having a damaging effect on the gene or gene product (PMID: 14643388, 19862843). In silico tool predictions suggest damaging effect of the variant on gene or gene product [REVEL: 0.80 (>=0.6, sensitivity 0.68 and specificity 0.92); 3Cnet: 0.98 (> 0.75, sensitivity 0.96 and precision 0.92)]. The same nucleotide change resulting in the same amino acid change has been previously reported as pathogenic/likely pathogenic with strong evidence (ClinVar ID: VCV000550825 /PMID: 14643388). The variant has been reported to be in trans with a pathogenic variant as either compound heterozygous or homozygous in at least 2 similarly affected unrelated individuals (PMID: 14643388, 23884227, 29124014). Different missense changes at the same codon (p.Ser619Asn, p.Ser619Gly) have been reported as pathogenic/likely pathogenic with strong evidence (ClinVar ID: VCV000370146, VCV002698749 /PMID: 16838077). Therefore, this variant is classified as Pathogenic according to the recommendation of ACMG/AMP guideline.

Natera, Inc.
Classification: Pathogenic for Glycogen storage disease type II. Last evaluated: 2024-06-20. Review status: criteria provided, single submitter. Criteria: Natera Variant Classification Schema (03/2026). Collection method: clinical testing. Allele origin: germline. Not counted in ClinVar's aggregate classification.
Comment: The c.1857C>G variant in GAA is a missense variant predicted to cause substitution of serine to arginine at amino acid 619. This variant is rare in the general population with a frequency below the threshold expected for the associated phenotype(s). This variant has been observed in one or more individuals affected with the associated recessive disease, as either homozygous or compound heterozygous with a second variant (PMID: 29124014). Computational prediction algorithms indicate this variant is likely to affect gene or protein function. Given the available evidence, this variant is classified as Pathogenic.

Fulgent Genetics
Classification: Pathogenic for Glycogen storage disease, type II. Last evaluated: 2024-06-04. Review status: criteria provided, single submitter. Criteria: ACMG Guidelines, 2015. Collection method: clinical testing. Allele origin: germline. Not counted in ClinVar's aggregate classification.

Counsyl
Classification: Likely pathogenic for Glycogen storage disease, type II. Last evaluated: 2017-02-24. Review status: no assertion criteria provided. Collection method: clinical testing. Allele origin: unknown. Not counted in ClinVar's aggregate classification.

Literature cited by the submitters: PubMed 19862843 (cited by 4 submitters); PubMed 29124014 (cited by 3 submitters); PubMed 14643388 (cited by 4 submitters); PubMed 21984055 (cited by Genomenon, Inc); PubMed 23884227 (cited by 3 submitters); PubMed 25388776 (cited by Genomenon, Inc); PubMed 25213570 (cited by 3 submitters); PubMed 25256446 (cited by Genomenon, Inc); PubMed 27363342 (cited by Labcorp Genetics (formerly Invitae), Labcorp); PubMed 21471980 (cited by Labcorp Genetics (formerly Invitae), Labcorp and Counsyl); PubMed 16838077 (cited by Labcorp Genetics (formerly Invitae), Labcorp and 3billion); PubMed 24158270 (cited by Labcorp Genetics (formerly Invitae), Labcorp); PubMed 25998610 (cited by Labcorp Genetics (formerly Invitae), Labcorp); PubMed 18495398 (cited by Counsyl); PubMed 21676566 (cited by Counsyl); PubMed 17805474 (cited by Counsyl).